The following is an entry in ClinVar:

NM_001278716.2(FBXL4):c.50T>C (p.Ile17Thr)

Gene: FBXL4 (F-box and leucine rich repeat protein 4; minus strand). Cytogenetic location: 6q16.2.
Variant type: single nucleotide variant.
Coding change: c.50T>C on transcript NM_001278716.2 (MANE Select); coding-DNA position 50, T replaced by C.
Protein change: p.Ile17Thr; replaces isoleucine 17 with threonine.
Molecular consequence: missense variant. On other transcripts: non-coding transcript variant (2).
Genome position (GRCh38, 1-based): chr6:98,926,939, A>G on the plus strand (T>C on the coding strand, the complement: FBXL4 is on the minus strand). VCF-style: chr6-98926939-A-G. GRCh37 (hg19) VCF-style: chr6-99374815-A-G.
Other names: c.50T>C, p.Ile17Thr (NM_012160.5); c.50T>C (NM_012160.3); short protein forms I17T.
Identifiers: ClinVar variation 2069071 (VCV002069071.2), dbSNP rs751130184, ClinGen allele CA3933752.

ClinVar aggregate classification (germline): Uncertain significance. Review status: criteria provided, multiple submitters, no conflicts (2 of 4 stars). 2 submissions from 2 submitters: Uncertain significance (2). Last evaluated 2025-05-28.

Conditions:
Inborn genetic diseases. Identifiers: MedGen C0950123, MeSH D030342.

Allele frequency attached by ClinVar (database versions not stated): TOPMed below 0.00001; ExAC 0.00001; gnomAD 0.00001; gnomAD exomes 0.00001.
gnomAD v4.1: 22 of 1,614,056 alleles (0.0014%); highest among the groups gnomAD compares: Non-Finnish European, 0.0019%; no homozygotes.

Submissions (2):

Ambry Genetics
Classification: Uncertain significance for Inborn genetic diseases. Last evaluated: 2025-05-28. Review status: criteria provided, single submitter. Criteria: Ambry Variant Classification Scheme 2023. Collection method: clinical testing. Allele origin: germline.

Labcorp Genetics (formerly Invitae), Labcorp
Classification: Uncertain significance. Last evaluated: 2022-05-19. Review status: criteria provided, single submitter. Criteria: Invitae Variant Classification Sherloc (09022015). Collection method: clinical testing. Allele origin: germline.
Comment: This sequence change replaces isoleucine, which is neutral and non-polar, with threonine, which is neutral and polar, at codon 17 of the FBXL4 protein (p.Ile17Thr). This variant is present in population databases (rs751130184, gnomAD 0.0009%). This variant has not been reported in the literature in individuals affected with FBXL4-related conditions. Advanced modeling of protein sequence and biophysical properties (such as structural, functional, and spatial information, amino acid conservation, physicochemical variation, residue mobility, and thermodynamic stability) performed at Invitae indicates that this missense variant is expected to disrupt FBXL4 protein function. In summary, the available evidence is currently insufficient to determine the role of this variant in disease. Therefore, it has been classified as a Variant of Uncertain Significance.